The following is an entry in ClinVar:

NM_001184.4(ATR):c.2557G>A (p.Ala853Thr)

Gene: ATR (ATR checkpoint kinase; minus strand). Cytogenetic location: 3q23.
Variant type: single nucleotide variant.
Coding change: c.2557G>A on transcript NM_001184.4 (MANE Select); coding-DNA position 2557, G replaced by A.
Protein change: p.Ala853Thr; replaces alanine 853 with threonine.
Molecular consequence: missense variant.
Genome position (GRCh38, 1-based): chr3:142,553,716, C>T on the plus strand (G>A on the coding strand, the complement: ATR is on the minus strand). VCF-style: chr3-142553716-C-T. GRCh37 (hg19) VCF-style: chr3-142272558-C-T.
Other names: c.2365G>A, p.Ala789Thr (NM_001354579.2); short protein forms A789T, A853T.
Identifiers: ClinVar variation 3221086 (VCV003221086.1), dbSNP rs2473384233, ClinGen allele CA354815741.

ClinVar aggregate classification (germline): Uncertain significance (1 of 4 stars; one submission).

Conditions:
Inborn genetic diseases. Identifiers: MedGen C0950123, MeSH D030342.

gnomAD v4.1: 1 of 1,612,874 alleles (0.000062%); no homozygotes.

Submission:

Ambry Genetics
Classification: Uncertain significance for Inborn genetic diseases. Last evaluated: 2023-11-11. Review status: criteria provided, single submitter. Criteria: Ambry Variant Classification Scheme 2023. Collection method: clinical testing. Allele origin: germline.
Comment: The p.A853T variant (also known as c.2557G>A), located in coding exon 12 of the ATR gene, results from a G to A substitution at nucleotide position 2557. The alanine at codon 853 is replaced by threonine, an amino acid with similar properties. This amino acid position is conserved. In addition, this alteration is predicted to be tolerated by in silico analysis. Since supporting evidence is limited at this time, the clinical significance of this alteration remains unclear.